The following is an entry in ClinVar:

NM_000419.5(ITGA2B):c.2556G>C (p.Gln852His)

Gene: ITGA2B (integrin subunit alpha 2b; minus strand). Cytogenetic location: 17q21.31.
Variant type: single nucleotide variant.
Coding change: c.2556G>C on transcript NM_000419.5 (MANE Select); coding-DNA position 2556, G replaced by C.
Protein change: p.Gln852His; replaces glutamine 852 with histidine.
Molecular consequence: missense variant.
Genome position (GRCh38, 1-based): chr17:44,375,878, C>G on the plus strand (G>C on the coding strand, the complement: ITGA2B is on the minus strand). VCF-style: chr17-44375878-C-G. GRCh37 (hg19) VCF-style: chr17-42453246-C-G.
Other names: NM_000419.5(ITGA2B):c.2556G>C; p.Gln852His; short protein forms Q852H.
Identifiers: ClinVar variation 888824 (VCV000888824.5), dbSNP rs2048538187, ClinGen allele CA399794538.

ClinVar aggregate classification (germline): Uncertain significance. Review status: reviewed by expert panel (3 of 4 stars). 2 submissions from 2 submitters: Uncertain significance (1). 1 of the submissions does not count toward it. Last evaluated 2023-10-17.

Conditions:
Glanzmann thrombasthenia. Also called: PLATELET GLYCOPROTEIN IIb-IIIa DEFICIENCY; BLEEDING DISORDER, PLATELET-TYPE, 2; THROMBASTHENIA OF GLANZMANN AND NAEGELI; Thrombasthenia; Glanzmann's thrombasthenia. Identifiers: Orphanet 849, MedGen C0040015, MONDO:0100326.

gnomAD v4.1: 1 of 1,604,960 alleles (0.000062%); highest among the groups gnomAD compares: South Asian, 0.0011%; no homozygotes.

Submissions (2):

ClinGen Platelet Disorders Variant Curation Expert Panel, ClinGen
Classification: Uncertain significance for Glanzmann thrombasthenia. Last evaluated: 2023-10-17. Review status: reviewed by expert panel. Criteria: ClinGen Platelet ACMG Specifications v2-1. Collection method: curation. Allele origin: germline. Inheritance: Autosomal recessive inheritance.
Comment: The c.2556G>C variant in ITGA2B is a missense variant predicted to cause substitution of Glutamine by Histidine at amino acid (p.Gln852His). This variant is absent from gnomAD v2.1.1 (PM2_Supporting). The computational predictor REVEL gives a score of 0.051, which is below the ClinGen PD VCEP threshold of <0.25 and predicts no damaging effect on ITGA2B function (BP4). This variant was observed by Illumina as part of a predisposition screen in an ostensibly healthy population, however, no cases of the variant segregating with Glanzmann thrombasthenia were found in the literature. Due to conflicting evidence, this variant is classified as a variant of unknown significance for autosomal recessive Glanzmann Thrombasthenia based on the ACMG/AMP criteria applied, as specified by the ClinGen PD-VCEP: PM2_Supporting and BP4 (VCEP specifications version 2).

Illumina Laboratory Services, Illumina
Classification: Uncertain significance for Glanzmann thrombasthenia 1. Last evaluated: 2017-04-27. Review status: criteria provided, single submitter. Criteria: ICSL Variant Classification Criteria 13 December 2019. Collection method: clinical testing. Allele origin: germline. Not counted in ClinVar's aggregate classification.